The following is an entry in ClinVar:

NM_003000.3(SDHB):c.598T>C (p.Trp200Arg)

Gene: SDHB (succinate dehydrogenase complex iron sulfur subunit B; minus strand). Cytogenetic location: 1p36.13.
Variant type: single nucleotide variant.
Coding change: c.598T>C on transcript NM_003000.3 (MANE Select); coding-DNA position 598, T replaced by C.
Protein change: p.Trp200Arg; replaces tryptophan 200 with arginine.
Molecular consequence: missense variant.
Genome position (GRCh38, 1-based): chr1:17,024,017, A>G on the plus strand (T>C on the coding strand, the complement: SDHB is on the minus strand). VCF-style: chr1-17024017-A-G. GRCh37 (hg19) VCF-style: chr1-17350512-A-G.
Other names: short protein forms W200R.
Identifiers: ClinVar variation 571856 (VCV000571856.12), dbSNP rs1557739966, ClinGen allele CA338271075.

ClinVar aggregate classification (germline): Likely pathogenic. Review status: criteria provided, multiple submitters, no conflicts (2 of 4 stars). 2 submissions from 2 submitters: Likely pathogenic (2). Last evaluated 2026-03-31.

Conditions:
Hereditary cancer-predisposing syndrome. Also called: Hereditary neoplastic syndrome; Neoplastic Syndromes, Hereditary; Hereditary Cancer Syndrome; Tumor predisposition. Identifiers: Orphanet 140162, MedGen C0027672, MeSH D009386, MONDO:0015356.
Pheochromocytoma. Also called: MAX-Related Hereditary Paraganglioma-Pheochromocytoma Syndrome. Identifiers: Orphanet 29072, MedGen C0031511, MONDO:0008233, OMIM 171300, HP:0002666.
Gastrointestinal stromal tumor. Also called: Gastrointestinal stromal tumor, somatic; Gastrointestinal stroma tumor. Identifiers: Orphanet 44890, MedGen C0238198, MeSH D046152, MONDO:0011719, OMIM 606764, HP:0100723.
Pheochromocytoma/paraganglioma syndrome 4. Also called: SDHB-Related Hereditary Paraganglioma-Pheochromocytoma Syndrome; PARAGANGLIOMA, FAMILIAL MALIGNANT; PARAGANGLIOMAS, HEREDITARY EXTRAADRENAL; PHEOCHROMOCYTOMA, FAMILIAL EXTRAADRENAL; Paragangliomas 4; CAROTID BODY TUMORS AND MULTIPLE EXTRAADRENAL PHEOCHROMOCYTOMAS. Identifiers: Orphanet 29072, MedGen C1861848, MONDO:0007273, OMIM 115310.

Allele frequency attached by ClinVar (database versions not stated): gnomAD exomes below 0.00001.
gnomAD v4.1: 1 of 1,614,092 alleles (0.000062%); highest among the groups gnomAD compares: South Asian, 0.0011%; no homozygotes.

Submissions (2):

Ambry Genetics
Classification: Likely pathogenic for Hereditary cancer-predisposing syndrome. Last evaluated: 2026-03-31. Review status: criteria provided, single submitter. Criteria: Ambry Variant Classification Scheme 2023. Collection method: clinical testing. Allele origin: germline.
Comment: The p.W200R variant (also known as c.598T>C), located in coding exon 6 of the SDHB gene, results from a T to C substitution at nucleotide position 598. The tryptophan at codon 200 is replaced by arginine, an amino acid with dissimilar properties. This variant was reported in individual(s) with features consistent with SDHB-related hereditary pheochromocytoma-paraganglioma (Heller MB et al. World J. Endocr. Surg. 2010 Sept-Dec;2(3):135-138; Ambry internal data). Based on internal structural assessment, this alteration disrupts the quinone binding site of SDHB (Yankovskaya V et al. Science, 2003 Jan;299:700-4; Sun F et al. Cell, 2005 Jul;121:1043-57; Ambry internal data). This amino acid position is highly conserved in available vertebrate species. In addition, this alteration is predicted to be deleterious by in silico analysis. This variant is considered to be rare based on population cohorts in the Genome Aggregation Database (gnomAD). Based on the majority of available evidence to date, this variant is likely to be pathogenic.

Labcorp Genetics (formerly Invitae), Labcorp
Classification: Likely pathogenic for Gastrointestinal stromal tumor; Pheochromocytoma/paraganglioma syndrome 4; Pheochromocytoma. Last evaluated: 2018-12-11. Review status: criteria provided, single submitter. Criteria: Invitae Variant Classification Sherloc (09022015). Collection method: clinical testing. Allele origin: germline.
Comment: This variant is not present in population databases (ExAC no frequency). This sequence change replaces tryptophan with arginine at codon 200 of the SDHB protein (p.Trp200Arg). The tryptophan residue is highly conserved and there is a moderate physicochemical difference between tryptophan and arginine. This variant has been observed in individuals affected with hereditary paraganglioma-pheochromocytoma syndrome (PMID: 26273102, Heller MB et al. World J. Endocr. Surg. 2010 Sept-Dec; 2(3): 135-138). ClinVar contains an entry for this variant (Variation ID: 571856). In summary, the currently available evidence indicates that the variant is pathogenic, but additional data are needed to prove that conclusively. Therefore, this variant has been classified as Likely Pathogenic. Variants that disrupt the p.Trp200 amino acid residue in SDHB have been observed in affected individuals (PMID:7143317, 21173220, 22835832, 20119652). This suggests that it is a clinically significant residue, and that other variants that disrupt this residue are likely to be causative of disease. Algorithms developed to predict the effect of missense changes on protein structure and function (SIFT, PolyPhen-2, Align-GVGD) all suggest that this variant is likely to be disruptive, but these predictions have not been confirmed by published functional studies and their clinical significance is uncertain.

Literature cited by the submitters: PubMed 12560550 (cited by Ambry Genetics); PubMed 15989954 (cited by Ambry Genetics); PubMed 22517557 (cited by Ambry Genetics); PubMed 25405498 (cited by Ambry Genetics); PubMed 26273102 (cited by Labcorp Genetics (formerly Invitae), Labcorp); PubMed 2010 (cited by Labcorp Genetics (formerly Invitae), Labcorp); PubMed 2 (cited by Labcorp Genetics (formerly Invitae), Labcorp); PubMed 3 (cited by Labcorp Genetics (formerly Invitae), Labcorp); PubMed 7143317 (cited by Labcorp Genetics (formerly Invitae), Labcorp); PubMed 21173220 (cited by Labcorp Genetics (formerly Invitae), Labcorp); PubMed 22835832 (cited by Labcorp Genetics (formerly Invitae), Labcorp); PubMed 20119652 (cited by Labcorp Genetics (formerly Invitae), Labcorp).